The following is an entry in ClinVar:

ClinVar aggregate classification (germline): Benign (1 of 4 stars; one submission).

Allele frequency attached by ClinVar (database versions not stated): TOPMed 0.26600; gnomAD 0.27284; gnomAD exomes 0.28463; 1000 Genomes Project 30x 0.34088; 1000 Genomes Project 0.34864.
gnomAD v4.1: 382,362 of 1,348,180 alleles (28%); highest among the groups gnomAD compares: East Asian, 62%; 58,870 homozygotes.

Submission:

Unidad de Genómica Garrahan, Hospital de Pediatría Garrahan
Classification: Benign. Last evaluated: 2024-07-15. Review status: criteria provided, single submitter. Criteria: ACMG Guidelines, 2015. Collection method: clinical testing. Allele origin: germline. Affected: no. Observed: 68 variant alleles.
Comment: This variant is classified as Benign based on local population frequency. This variant was detected in 73% of patients studied in a panel designed for Epileptic and Developmental Encephalopathy and Progressive Myoclonus Epilepsy. Number of patients: 68. Only high quality variants are reported.

NM_001099403.2(PRDM8):c.219+71T>A

Gene: PRDM8 (PR/SET domain 8; plus strand). Cytogenetic location: 4q21.21.
Variant type: single nucleotide variant.
Coding change: c.219+71T>A on transcript NM_001099403.2 (MANE Select); 71 bases into the intron after coding-DNA position 219, T replaced by A.
Molecular consequence: intron variant.
Genome position (GRCh38, 1-based): chr4:80,200,370, T>A. VCF-style: chr4-80200370-T-A. GRCh37 (hg19) VCF-style: chr4-81121524-T-A.
Other names: c.219+71T>A (NM_020226.4).
Identifiers: ClinVar variation 3255243 (VCV003255243.2), dbSNP rs11099079.